The following is an entry in ClinVar:

ClinVar aggregate classification (germline): Pathogenic (1 of 4 stars; one submission).

Submission:

GeneDx
Classification: Pathogenic. Last evaluated: 2020-01-21. Review status: criteria provided, single submitter. Criteria: GeneDx Variant Classification Process June 2021. Collection method: clinical testing. Allele origin: germline. Affected: yes.
Comment: Frameshift variant in the C-terminus predicted to result in protein truncation, as the last 766 amino acids are lost and replaced with 9 incorrect amino acids (Stenson et al., 2014); Not observed in large population cohorts (Lek et al., 2016); Previously reported as same c.7394delC but different p. nomenclature, p.P2465FfsX10, as a de novo variant in a patient with Floating-Harbor syndrome (Milani et al., 2018); This variant is associated with the following publications: (PMID: 29383823)

NM_006662.3(SRCAP):c.7394del (p.Pro2465fs)

Gene: SRCAP (Snf2 related CREBBP activator protein; plus strand). Cytogenetic location: 16p11.2.
Variant type: Deletion.
Coding change: c.7394del on transcript NM_006662.3 (MANE Select); coding-DNA position 7394, one base deleted (C; older notation c.7394delC).
Protein change: p.Pro2465fs; shifts the reading frame from proline 2465.
Molecular consequence: frameshift variant.
Genome position (GRCh38, 1-based): chr16:30,737,434, C deleted; the last of 4 consecutive C bases (chr16:30,737,431-30,737,434); deleting any one gives the same sequence. VCF-style (leftmost placement, unchanged base first): chr16-30737430-GC-G. GRCh37 (hg19) VCF-style: chr16-30748751-GC-G.
Other names: short protein forms P2465fs.
Identifiers: ClinVar variation 1187407 (VCV001187407.2), dbSNP rs2151300144, ClinGen allele CA2499223496.
Genomic context (GRCh38, chr16:30,737,430, plus strand): 5'-CGACCCACTCCAGCTTCAGCTCCGGCTGCAATTCCTGCCCTTGTTCCTGTCCCAGTTTCT[GC>G]CCCAGTACCCATTTCAGCCCCAAATCCAATAACCATTCTCCCTGTCCATATCTTGCCTTC-3'